The following is an entry in ClinVar:

NM_024675.4(PALB2):c.508A>C (p.Arg170=)

Gene: PALB2 (partner and localizer of BRCA2; minus strand). Cytogenetic location: 16p12.2.
Variant type: single nucleotide variant.
Coding change: c.508A>C on transcript NM_024675.4 (MANE Select); coding-DNA position 508, A replaced by C.
Protein change: p.Arg170=; no amino-acid change (arginine 170 retained).
Molecular consequence: synonymous variant.
Genome position (GRCh38, 1-based): chr16:23,636,038, T>G on the plus strand (A>C on the coding strand, the complement: PALB2 is on the minus strand). VCF-style: chr16-23636038-T-G. GRCh37 (hg19) VCF-style: chr16-23647359-T-G.
Identifiers: ClinVar variation 530257 (VCV000530257.15), dbSNP rs864622622, ClinGen allele CA494461889.
Genomic context (GRCh38, chr16:23,636,038, plus strand): 5'-ATCTAGCAGGATTTTTGCTACTGATTTCTTCCTGTTCCTTTAGTCTTTTCCCAGACAATC[T>G]GAGTGAATCAGTGCCAAAGACACAGTCTCTCTCCTGTGAAATAAATGTCCTCTTCTGCTG-3'
Protein context (NP_078951.2, residues 160-180): RDCVFGTDSL[Arg170=]LSGKRLKEQE

ClinVar aggregate classification (germline): Benign/Likely benign. Review status: criteria provided, multiple submitters, no conflicts (2 of 4 stars). 4 submissions from 4 submitters: Benign (1); Likely benign (3). Last evaluated 2025-10-25.

Conditions:
Hereditary cancer-predisposing syndrome. Also called: Hereditary neoplastic syndrome; Neoplastic Syndromes, Hereditary; Hereditary Cancer Syndrome; Tumor predisposition. Identifiers: Orphanet 140162, MedGen C0027672, MeSH D009386, MONDO:0015356.
Familial cancer of breast. Also called: BREAST CANCER, FAMILIAL; Hereditary breast cancer; hereditary breast carcinoma. Identifiers: Orphanet 227535, MedGen C0346153, MONDO:0016419, OMIM 114480. Disease mechanism: loss of function.

Submissions (4):

Labcorp Genetics (formerly Invitae), Labcorp
Classification: Likely benign for Familial cancer of breast. Last evaluated: 2025-10-25. Review status: criteria provided, single submitter. Criteria: Invitae Variant Classification Sherloc (09022015). Collection method: clinical testing. Allele origin: germline.

Myriad Genetics, Inc.
Classification: Benign for Familial cancer of breast. Last evaluated: 2025-01-10. Review status: criteria provided, single submitter. Criteria: Myriad Autosomal Dominant, Autosomal Recessive and X-Linked Classification Criteria (2023). Collection method: clinical testing. Allele origin: unknown.
Comment: This variant is considered benign. This variant is a silent/synonymous amino acid change and it is not expected to impact splicing.

Ambry Genetics
Classification: Likely benign for Hereditary cancer-predisposing syndrome. Last evaluated: 2021-11-25. Review status: criteria provided, single submitter. Criteria: Ambry Variant Classification Scheme 2023. Collection method: clinical testing. Allele origin: germline.

Color Diagnostics, LLC DBA Color Health
Classification: Likely benign for Hereditary cancer-predisposing syndrome. Last evaluated: 2018-01-08. Review status: criteria provided, single submitter. Criteria: ACMG Guidelines, 2015. Collection method: clinical testing. Allele origin: germline.